The following is an entry in ClinVar:

NM_020964.3(EPG5):c.3652A>G (p.Ile1218Val)

Gene: EPG5 (ectopic P-granules 5 autophagy tethering factor; minus strand). Cytogenetic location: 18q21.1.
Variant type: single nucleotide variant.
Coding change: c.3652A>G on transcript NM_020964.3 (MANE Select); coding-DNA position 3652, A replaced by G.
Protein change: p.Ile1218Val; replaces isoleucine 1218 with valine.
Molecular consequence: missense variant.
Genome position (GRCh38, 1-based): chr18:45,915,552, T>C on the plus strand (A>G on the coding strand, the complement: EPG5 is on the minus strand). VCF-style: chr18-45915552-T-C. GRCh37 (hg19) VCF-style: chr18-43495517-T-C.
Other names: c.3652A>G, p.Ile1218Val (LRG_1234t1); short protein forms I1218V.
Identifiers: ClinVar variation 641038 (VCV000641038.7), dbSNP rs546759895, ClinGen allele CA8949107.

ClinVar aggregate classification (germline): Uncertain significance (1 of 4 stars; one submission).

Conditions:
Vici syndrome (VICIS). Identifiers: Orphanet 1493, MedGen C1855772, MONDO:0009452, OMIM 242840.

Allele frequency attached by ClinVar (database versions not stated): TOPMed below 0.00001; gnomAD 0.00001; ExAC 0.00002; gnomAD exomes 0.00002.
gnomAD v4.1: 35 of 1,614,060 alleles (0.0022%); highest among the groups gnomAD compares: Non-Finnish European, 0.0026%; no homozygotes.

Submission:

Labcorp Genetics (formerly Invitae), Labcorp
Classification: Uncertain significance for Vici syndrome. Last evaluated: 2022-01-17. Review status: criteria provided, single submitter. Criteria: Invitae Variant Classification Sherloc (09022015). Collection method: clinical testing. Allele origin: germline.
Comment: This sequence change replaces isoleucine, which is neutral and non-polar, with valine, which is neutral and non-polar, at codon 1218 of the EPG5 protein (p.Ile1218Val). This variant is present in population databases (rs546759895, gnomAD 0.004%). This variant has not been reported in the literature in individuals affected with EPG5-related conditions. ClinVar contains an entry for this variant (Variation ID: 641038). Algorithms developed to predict the effect of missense changes on protein structure and function output the following: SIFT: "Tolerated"; PolyPhen-2: "Possibly Damaging"; Align-GVGD: "Class C0". The valine amino acid residue is found in multiple mammalian species, which suggests that this missense change does not adversely affect protein function. In summary, the available evidence is currently insufficient to determine the role of this variant in disease. Therefore, it has been classified as a Variant of Uncertain Significance.